The following is an entry in ClinVar:

ClinVar aggregate classification (germline): Conflicting classifications of pathogenicity. Review status: criteria provided, conflicting classifications (1 of 4 stars). 3 submissions from 3 submitters: Uncertain significance (2); Likely benign (1). Last evaluated 2026-03-01.

Conditions:
Warts, hypogammaglobulinemia, infections, and myelokathexis. Also called: WHIM syndrome. Identifiers: MedGen C0472817, MONDO:0023880.
CXCR4-related disorder. Also called: CXCR4-related condition.

Allele frequency attached by ClinVar (database versions not stated): ExAC 0.00002; gnomAD exomes 0.00003 and 0.00004; TOPMed 0.00005; gnomAD 0.00007 and 0.00008; ESP Exome Variant Server 0.00008.
gnomAD v4.1: 57 of 1,614,080 alleles (0.0035%); highest among the groups gnomAD compares: Non-Finnish European, 0.0046%; no homozygotes.

Submissions (3):

CeGaT Center for Human Genetics Tuebingen
Classification: Likely benign. Last evaluated: 2026-03-01. Review status: criteria provided, single submitter. Criteria: CeGaT Center For Human Genetics Tuebingen Variant Classification Criteria Version 2. Collection method: clinical testing. Allele origin: germline. Affected: yes. Observed: 4 variant alleles.
Comment: CXCR4: BS1

Labcorp Genetics (formerly Invitae), Labcorp
Classification: Uncertain significance for Warts, hypogammaglobulinemia, infections, and myelokathexis. Last evaluated: 2025-10-22. Review status: criteria provided, single submitter. Criteria: Invitae Variant Classification Sherloc (09022015). Collection method: clinical testing. Allele origin: germline.
Comment: This sequence change replaces isoleucine, which is neutral and non-polar, with threonine, which is neutral and polar, at codon 169 of the CXCR4 protein (p.Ile169Thr). This variant is present in population databases (rs371317659, gnomAD 0.006%). This variant has not been reported in the literature in individuals affected with CXCR4-related conditions. ClinVar contains an entry for this variant (Variation ID: 665616). An algorithm developed to predict the effect of missense changes on protein structure and function (PolyPhen-2) suggests that this variant is likely to be disruptive. In summary, the available evidence is currently insufficient to determine the role of this variant in disease. Therefore, it has been classified as a Variant of Uncertain Significance.

PreventionGenetics, part of Exact Sciences
Classification: Uncertain significance for CXCR4-related condition. Last evaluated: 2024-10-23. Review status: criteria provided, single submitter. Criteria: ACMG Guidelines, 2015. Collection method: clinical testing. Allele origin: germline.
Comment: The CXCR4 c.506T>C variant is predicted to result in the amino acid substitution p.Ile169Thr. To our knowledge, this variant has not been reported in the literature. This variant is reported in 0.0062% of alleles in individuals of European (Non-Finnish) descent in gnomAD. At this time, the clinical significance of this variant is uncertain due to the absence of conclusive functional and genetic evidence.

NM_003467.3(CXCR4):c.506T>C (p.Ile169Thr)

Gene: CXCR4 (C-X-C motif chemokine receptor 4; minus strand). Cytogenetic location: 2q22.1.
Variant type: single nucleotide variant.
Coding change: c.506T>C on transcript NM_003467.3 (MANE Select); coding-DNA position 506, T replaced by C.
Protein change: p.Ile169Thr; replaces isoleucine 169 with threonine.
Molecular consequence: missense variant.
Genome position (GRCh38, 1-based): chr2:136,115,422, A>G on the plus strand (T>C on the coding strand, the complement: CXCR4 is on the minus strand). VCF-style: chr2-136115422-A-G. GRCh37 (hg19) VCF-style: chr2-136872992-A-G.
Other names: c.518T>C, p.Ile173Thr (NM_001008540.2); c.719T>C, p.Ile240Thr (NM_001348056.2); c.605T>C, p.Ile202Thr (NM_001348059.2); c.461T>C, p.Ile154Thr (NM_001348060.2); short protein forms I154T, I240T, I202T, I169T, I173T.
Identifiers: ClinVar variation 665616 (VCV000665616.39), dbSNP rs371317659, ClinGen allele CA1890112.
Genomic context (GRCh38, chr2:136,115,422, plus strand): 5'-AAGCGGTCACAGATATATCTGTCATCTGCCTCACTGACGTTGGCAAAGATGAAGTCGGGA[A>G]TAGTCAGCAGGAGGGCAGGGATCCAGACGCCAACATAGACCACCTTTTCAGCCAACAGCT-3'
Protein context (NP_003458.1, residues 159-179): GVWIPALLLT[Ile169Thr]PDFIFANVSE